The following is an entry in ClinVar:

ClinVar aggregate classification (germline): Uncertain significance. Review status: criteria provided, multiple submitters, no conflicts (2 of 4 stars). 2 submissions from 2 submitters: Uncertain significance (2). Last evaluated 2026-01-28.

Conditions:
Immunodeficiency 14 (IMD14A). Also called: IMMUNODEFICIENCY 14A WITH LYMPHOPROLIFERATION, AUTOSOMAL DOMINANT; Activated PI3K Delta Syndrome Type 1 (APDS1); p110-DELTA-ACTIVATING MUTATION CAUSING SENESCENT T CELLS, LYMPHADENOPATHY, AND IMMUNODEFICIENCY; ACTIVATED PI3K-DELTA SYNDROME 1. Identifiers: Orphanet 397596, Orphanet 693661, MedGen C5907821, MONDO:0014222, OMIM 615513.
Inborn genetic diseases. Identifiers: MedGen C0950123, MeSH D030342.

Allele frequency attached by ClinVar (database versions not stated): gnomAD exomes 0.00001; TOPMed 0.00003.
gnomAD v4.1: 22 of 1,614,182 alleles (0.0014%); highest among the groups gnomAD compares: South Asian, 0.0033%; 1 homozygote.

Submissions (2):

Labcorp Genetics (formerly Invitae), Labcorp
Classification: Uncertain significance for Activated PI3K-delta syndrome. Last evaluated: 2026-01-28. Review status: criteria provided, single submitter. Criteria: Invitae Variant Classification Sherloc (09022015). Collection method: clinical testing. Allele origin: germline.
Comment: This sequence change replaces arginine, which is basic and polar, with glutamine, which is neutral and polar, at codon 870 of the PIK3CD protein (p.Arg870Gln). This variant is not present in population databases (gnomAD no frequency). This variant has not been reported in the literature in individuals affected with PIK3CD-related conditions. ClinVar contains an entry for this variant (Variation ID: 2192491). Invitae Evidence Modeling of protein sequence and biophysical properties (such as structural, functional, and spatial information, amino acid conservation, physicochemical variation, residue mobility, and thermodynamic stability) indicates that this missense variant is not expected to disrupt PIK3CD protein function with a negative predictive value of 80%. In summary, the available evidence is currently insufficient to determine the role of this variant in disease. Therefore, it has been classified as a Variant of Uncertain Significance.

Ambry Genetics
Classification: Uncertain significance for Inborn genetic diseases. Last evaluated: 2025-08-14. Review status: criteria provided, single submitter. Criteria: Ambry Variant Classification Scheme 2023. Collection method: clinical testing. Allele origin: germline.

NM_005026.5(PIK3CD):c.2609G>A (p.Arg870Gln)

Gene: PIK3CD (phosphatidylinositol-4,5-bisphosphate 3-kinase catalytic subunit delta; plus strand). Cytogenetic location: 1p36.22.
Variant type: single nucleotide variant.
Coding change: c.2609G>A on transcript NM_005026.5 (MANE Select); coding-DNA position 2609, G replaced by A.
Protein change: p.Arg870Gln; replaces arginine 870 with glutamine.
Molecular consequence: missense variant.
Genome position (GRCh38, 1-based): chr1:9,723,983, G>A. VCF-style: chr1-9723983-G-A. GRCh37 (hg19) VCF-style: chr1-9784041-G-A.
Other names: c.2606G>A, p.Arg869Gln (NM_001350234.2); c.2522G>A, p.Arg841Gln (NM_001350235.1); short protein forms R869Q, R870Q, R841Q.
Identifiers: ClinVar variation 2192491 (VCV002192491.5), dbSNP rs752328071, ClinGen allele CA17784431.